The following is an entry in ClinVar:

NM_000256.3(MYBPC3):c.3718A>G (p.Ile1240Val)

Gene: MYBPC3 (myosin binding protein C3; minus strand). Cytogenetic location: 11p11.2.
Variant type: single nucleotide variant.
Coding change: c.3718A>G on transcript NM_000256.3 (MANE Select); coding-DNA position 3718, A replaced by G.
Protein change: p.Ile1240Val; replaces isoleucine 1240 with valine.
Molecular consequence: missense variant.
Genome position (GRCh38, 1-based): chr11:47,332,168, T>C on the plus strand (A>G on the coding strand, the complement: MYBPC3 is on the minus strand). VCF-style: chr11-47332168-T-C. GRCh37 (hg19) VCF-style: chr11-47353719-T-C.
Other names: short protein forms I1240V.
Identifiers: ClinVar variation 2965622 (VCV002965622.3), dbSNP rs2495736337, ClinGen allele CA380311173.

ClinVar aggregate classification (germline): Uncertain significance (1 of 4 stars; one submission).

Conditions:
Hypertrophic cardiomyopathy. Also called: HYPERTROPHIC MYOCARDIOPATHY. Identifiers: Orphanet 217569, MedGen C0007194, MeSH D002312, MONDO:0005045, HP:0001639.

Submission:

Labcorp Genetics (formerly Invitae), Labcorp
Classification: Uncertain significance for Hypertrophic cardiomyopathy. Last evaluated: 2023-05-19. Review status: criteria provided, single submitter. Criteria: Invitae Variant Classification Sherloc (09022015). Collection method: clinical testing. Allele origin: germline.
Comment: In summary, the available evidence is currently insufficient to determine the role of this variant in disease. Therefore, it has been classified as a Variant of Uncertain Significance. This sequence change replaces isoleucine, which is neutral and non-polar, with valine, which is neutral and non-polar, at codon 1240 of the MYBPC3 protein (p.Ile1240Val). This variant is not present in population databases (gnomAD no frequency). This variant has not been reported in the literature in individuals affected with MYBPC3-related conditions. An algorithm developed to predict the effect of missense changes on protein structure and function (PolyPhen-2) suggests that this variant is likely to be disruptive. Algorithms developed to predict the effect of sequence changes on RNA splicing suggest that this variant may create or strengthen a splice site.